The following is an entry in ClinVar:

NM_000361.3(THBD):c.396C>T (p.Leu132=)

Gene: THBD (thrombomodulin; minus strand). Cytogenetic location: 20p11.21.
Variant type: single nucleotide variant.
Coding change: c.396C>T on transcript NM_000361.3 (MANE Select); coding-DNA position 396, C replaced by T.
Protein change: p.Leu132=; no amino-acid change (leucine 132 retained).
Molecular consequence: synonymous variant.
Genome position (GRCh38, 1-based): chr20:23,049,109, G>A on the plus strand (C>T on the coding strand, the complement: THBD is on the minus strand). VCF-style: chr20-23049109-G-A. GRCh37 (hg19) VCF-style: chr20-23029746-G-A.
Identifiers: ClinVar variation 3614298 (VCV003614298.2).
Genomic context (GRCh38, chr20:23,049,109, plus strand): 5'-GATCGGCTCGCTGGGCACAGTGGCCTCAGCAGCGGAGACAGCGACGCACAACGGGCCGCA[G>A]AGGGGAGCCCCATTGAGGTCGAGCCGTGCCCACCTGCTATAGCTGGTGTTGTTGTCTCCC-3'
Protein context (NP_000352.1, residues 122-142): WARLDLNGAP[Leu132=]CGPLCVAVSA

ClinVar aggregate classification (germline): Uncertain significance (1 of 4 stars; one submission).

gnomAD v4.1: 9 of 1,591,084 alleles (0.00057%); highest among the groups gnomAD compares: East Asian, 0.0068%; no homozygotes.

Submission:

Labcorp Genetics (formerly Invitae), Labcorp
Classification: Uncertain significance. Last evaluated: 2024-06-24. Review status: criteria provided, single submitter. Criteria: Invitae Variant Classification Sherloc (09022015). Collection method: clinical testing. Allele origin: germline.
Comment: This sequence change affects codon 132 of the THBD mRNA. It is a 'silent' change, meaning that it does not change the encoded amino acid sequence of the THBD protein. This variant is present in population databases (rs756647736, gnomAD 0.01%). This variant has not been reported in the literature in individuals affected with THBD-related conditions. In summary, the available evidence is currently insufficient to determine the role of this variant in disease. Therefore, it has been classified as a Variant of Uncertain Significance.